The following is an entry in ClinVar:

ClinVar aggregate classification (germline): Conflicting classifications of pathogenicity. Review status: criteria provided, conflicting classifications (1 of 4 stars). 5 submissions from 5 submitters: Uncertain significance (1); Benign (1); Likely benign (3). Last evaluated 2025-07-13.

Conditions:
Hereditary cancer-predisposing syndrome. Also called: Neoplastic Syndromes, Hereditary; Tumor predisposition; Hereditary Cancer Syndrome; Hereditary neoplastic syndrome. Identifiers: Orphanet 140162, MedGen C0027672, MeSH D009386, MONDO:0015356.
Tuberous sclerosis syndrome (TSC). Also called: Tuberous Sclerosis Complex; Tuberous sclerosis. Identifiers: Orphanet 805, MedGen C0041341, MONDO:0001734.
Tuberous sclerosis 2 (TSC2). Identifiers: Orphanet 805, MedGen C1860707, MONDO:0013199, OMIM 613254.

Allele frequency attached by ClinVar (database versions not stated): gnomAD below 0.00001; gnomAD exomes 0.00002 and 0.00004; ExAC 0.00008.

Submissions (5):

Labcorp Genetics (formerly Invitae), Labcorp
Classification: Benign for Tuberous sclerosis 2. Last evaluated: 2025-07-13. Review status: criteria provided, single submitter. Criteria: Invitae Variant Classification Sherloc (09022015). Collection method: clinical testing. Allele origin: germline.

Myriad Genetics, Inc.
Classification: Likely benign for Tuberous sclerosis 2. Last evaluated: 2024-08-12. Review status: criteria provided, single submitter. Criteria: Myriad Autosomal Dominant, Autosomal Recessive and X-Linked Classification Criteria (2023). Collection method: clinical testing. Allele origin: unknown.
Comment: This variant is considered likely benign. This variant has been observed at a population frequency that is significantly greater than expected given the associated disease prevalence and penetrance.

All of Us Research Program, National Institutes of Health
Classification: Uncertain significance for Tuberous sclerosis syndrome. Last evaluated: 2023-06-28. Review status: criteria provided, single submitter. Criteria: ACMG Guidelines, 2015. Collection method: clinical testing. Allele origin: germline. Inheritance: Autosomal dominant inheritance. Observed: 2 variant alleles, 2 heterozygotes.
Comment: This missense variant replaces proline with serine at codon 674 of the TSC2 protein. Computational prediction is inconclusive regarding the impact of this variant on protein structure and function (internally defined REVEL score threshold 0.5 < inconclusive < 0.7, PMID: 27666373). To our knowledge, functional studies have not been reported for this variant. This variant has not been reported in individuals affected with tuberous sclerosis complex in the literature. This variant has been identified in 6/145970 chromosomes in the general population by the Genome Aggregation Database (gnomAD). The available evidence is insufficient to determine the role of this variant in disease conclusively. Therefore, this variant is classified as a Variant of Uncertain Significance.

This study involves interpretation of variants in research participants for the purpose of population health screening. Participant phenotype was not available at the time of variant classification. Additional details can be found in publication PMID: 35346344, PMCID: PMC8962531

Ambry Genetics
Classification: Likely benign for Hereditary cancer-predisposing syndrome. Last evaluated: 2022-07-15. Review status: criteria provided, single submitter. Criteria: Ambry Variant Classification Scheme 2023. Collection method: clinical testing. Allele origin: germline.

Sema4
Classification: Likely benign for Hereditary cancer-predisposing syndrome. Last evaluated: 2021-05-20. Review status: criteria provided, single submitter. Criteria: Sema4 Curation Guidelines. Collection method: curation. Allele origin: germline.

NM_000548.5(TSC2):c.2020C>T (p.Pro674Ser)

Gene: TSC2 (TSC complex subunit 2; plus strand). Cytogenetic location: 16p13.3.
Variant type: single nucleotide variant.
Coding change: c.2020C>T on transcript NM_000548.5 (MANE Select); coding-DNA position 2020, C replaced by T.
Protein change: p.Pro674Ser; replaces proline 674 with serine.
Molecular consequence: missense variant.
Genome position (GRCh38, 1-based): chr16:2,071,857, C>T. VCF-style: chr16-2071857-C-T. GRCh37 (hg19) VCF-style: chr16-2121858-C-T.
Other names: c.2020C>T, p.Pro674Ser (NM_001077183.3, NM_001114382.3, NM_001363528.2 and 3 more transcripts); c.1909C>T, p.Pro637Ser (NM_001318827.2); c.1873C>T, p.Pro625Ser (NM_001318829.2); c.1420C>T, p.Pro474Ser (NM_001318831.2); c.2053C>T, p.Pro685Ser (NM_001318832.2); short protein forms P674S, P637S, P474S, P625S, P685S.
Identifiers: ClinVar variation 535965 (VCV000535965.17), dbSNP rs760566516, ClinGen allele CA035778.